The following is an entry in ClinVar:

ClinVar aggregate classification (germline): Uncertain significance. Review status: criteria provided, multiple submitters, no conflicts (2 of 4 stars). 3 submissions from 3 submitters: Uncertain significance (2). 1 of the submissions does not count toward it. Last evaluated 2024-04-12.

Conditions:
Inborn genetic diseases. Identifiers: MedGen C0950123, MeSH D030342.
DEPDC5-related disorder. Also called: DEPDC5-related condition; DEPDC5-related related disorder.

Allele frequency attached by ClinVar (database versions not stated): gnomAD exomes below 0.00001; TOPMed below 0.00001; gnomAD 0.00001.
gnomAD v4.1: 7 of 1,613,788 alleles (0.00043%); highest among the groups gnomAD compares: East Asian, 0.0022%; no homozygotes.

Submissions (3):

Blueprint Genetics
Classification: Uncertain significance. Last evaluated: 2024-04-12. Review status: criteria provided, single submitter. Criteria: ACMG Guidelines, 2015. Collection method: clinical testing. Allele origin: germline.

Ambry Genetics
Classification: Uncertain significance for Inborn genetic diseases. Last evaluated: 2022-11-07. Review status: criteria provided, single submitter. Criteria: Ambry Variant Classification Scheme 2023. Collection method: clinical testing. Allele origin: germline.

PreventionGenetics, part of Exact Sciences
Classification: Uncertain significance for DEPDC5-related condition. Last evaluated: 2023-12-17. Review status: no assertion criteria provided. Collection method: clinical testing. Allele origin: germline. Not counted in ClinVar's aggregate classification.
Comment: The DEPDC5 c.1148A>G variant is predicted to result in the amino acid substitution p.His383Arg. To our knowledge, this variant has not been reported in the literature. This variant is reported in 1 of ~31,000 alleles in gnomAD; However, the quality of data at this position is questionable and should be interpreted with caution. At this time, the clinical significance of this variant is uncertain due to the absence of conclusive functional and genetic evidence.

NM_001242896.3(DEPDC5):c.1148A>G (p.His383Arg)

Gene: DEPDC5 (DEP domain containing 5, GATOR1 subcomplex subunit; plus strand). Cytogenetic location: 22q12.3.
Variant type: single nucleotide variant.
Coding change: c.1148A>G on transcript NM_001242896.3 (MANE Select); coding-DNA position 1148, A replaced by G.
Protein change: p.His383Arg; replaces histidine 383 with arginine.
Molecular consequence: missense variant. On other transcripts: non-coding transcript variant (5).
Genome position (GRCh38, 1-based): chr22:31,804,846, A>G. VCF-style: chr22-31804846-A-G. GRCh37 (hg19) VCF-style: chr22-32200832-A-G.
Other names: c.1148A>G, p.His383Arg (NM_001007188.4, NM_001136029.4, NM_001242897.2 and 7 more transcripts); c.1064A>G, p.His355Arg (NM_001369901.1, NM_001369902.1); short protein forms H355R, H383R.
Identifiers: ClinVar variation 2322936 (VCV002322936.5), dbSNP rs2087319790, ClinGen allele CA411293518.